The following is an entry in ClinVar:

ClinVar aggregate classification (germline): Benign (1 of 4 stars; one submission).

Allele frequency attached by ClinVar (database versions not stated): 1000 Genomes Project 0.00399; 1000 Genomes Project 30x 0.00500; ESP Exome Variant Server 0.00721; TOPMed 0.00725.
gnomAD v4.1: 15,348 of 1,612,674 alleles (0.95%); highest among the groups gnomAD compares: Middle Eastern, 2.8%; 102 homozygotes.

Submission:

CeGaT Center for Human Genetics Tuebingen
Classification: Benign. Last evaluated: 2022-11-01. Review status: criteria provided, single submitter. Criteria: CeGaT Center For Human Genetics Tuebingen Variant Classification Criteria Version 2. Collection method: clinical testing. Allele origin: germline. Affected: yes. Observed: 1 variant allele.
Comment: PCDHGA1: BS1, BS2; PCDHGA2: BS1, BS2; PCDHGA3: BS1, BS2; PCDHGA4: BS1, BS2; PCDHGA5: BS1, BS2; PCDHGA6: BS1, BS2; PCDHGA7: BS1, BS2; PCDHGB2: BS1, BS2; PCDHGB3: BS1, BS2; PCDHGB4: BP4, BS1, BS2

NM_003736.4(PCDHGB4):c.1838G>C (p.Gly613Ala)

Genes: PCDHG@ (protocadherin gamma cluster; plus strand), PCDHGA1 (protocadherin gamma subfamily A, 1; plus strand), PCDHGA2 (protocadherin gamma subfamily A, 2; plus strand), PCDHGA3 (protocadherin gamma subfamily A, 3; plus strand), PCDHGA4 (protocadherin gamma subfamily A, 4; plus strand) and 7 more. Cytogenetic location: 5q31.3.
Variant type: single nucleotide variant.
Coding change: c.1838G>C on transcript NM_003736.4 (MANE Select); coding-DNA position 1838, G replaced by C.
Protein change: p.Gly613Ala; replaces glycine 613 with alanine.
Molecular consequence: missense variant. On other transcripts: intron variant (10).
Genome position (GRCh38, 1-based): chr5:141,389,722, G>C. VCF-style: chr5-141389722-G-C. GRCh37 (hg19) VCF-style: chr5-140769289-G-C.
Other names: c.2415+16913G>C (NM_018924.5); c.2424+13215G>C (NM_018919.3); c.2424+4399G>C (NM_018920.4); c.1838G>C, p.Gly613Ala (NM_032098.1); c.2421+56617G>C (NM_018912.3); c.2424+48327G>C (NM_018915.4); c.2424+43265G>C (NM_018916.4); c.2409+37053G>C (NM_018922.3); and 3 more; short protein forms G613A.
Identifiers: ClinVar variation 2655852 (VCV002655852.24), dbSNP rs141134077, ClinGen allele CA3472619.
Genomic context (GRCh38, chr5:141,389,722, plus strand): 5'-ACGCAGACTCAGGACACAACGCCTGGCTGTCCTACCACGTGCTGCAGGCTAGCGAGCCCG[G>C]GCTCTTCAGCCTGGGGCTGCGCACGGGCGAAGTGCGCACAGCGCGTGCCTTAGGCGACAG-3'
Protein context (NP_003727.1, residues 603-623): SYHVLQASEP[Gly613Ala]LFSLGLRTGE